The following is an entry in ClinVar:

ClinVar aggregate classification (germline): Uncertain significance (1 of 4 stars; one submission).

Conditions:
Dyskeratosis congenita, autosomal recessive 5 (DKCB5). Identifiers: MedGen C3554656, MONDO:0014076, OMIM 615190.
Pulmonary fibrosis and/or bone marrow failure, Telomere-related, 3. Also called: PULMONARY FIBROSIS AND/OR BONE MARROW FAILURE SYNDROME, TELOMERE-RELATED, 3. Identifiers: Orphanet 2032, MedGen C4225346, MONDO:0014613, OMIM 616373.

Submission:

Labcorp Genetics (formerly Invitae), Labcorp
Classification: Uncertain significance for Dyskeratosis congenita, autosomal recessive 5; Pulmonary fibrosis and/or bone marrow failure, Telomere-related, 3. Last evaluated: 2023-11-17. Review status: criteria provided, single submitter. Criteria: Invitae Variant Classification Sherloc (09022015). Collection method: clinical testing. Allele origin: germline.
Comment: This sequence change replaces histidine, which is basic and polar, with glutamine, which is neutral and polar, at codon 1210 of the RTEL1 protein (p.His1210Gln). This variant is not present in population databases (gnomAD no frequency). This variant has not been reported in the literature in individuals affected with RTEL1-related conditions. An algorithm developed to predict the effect of missense changes on protein structure and function (PolyPhen-2) suggests that this variant is likely to be tolerated. In summary, the available evidence is currently insufficient to determine the role of this variant in disease. Therefore, it has been classified as a Variant of Uncertain Significance.

NM_001283009.2(RTEL1):c.3630C>A (p.His1210Gln)

Genes: RTEL1 (regulator of telomere elongation helicase 1; plus strand), RTEL1-TNFRSF6B (RTEL1-TNFRSF6B readthrough (NMD candidate); plus strand). Cytogenetic location: 20q13.33.
Variant type: single nucleotide variant.
Coding change: c.3630C>A on transcript NM_001283009.2 (MANE Select); coding-DNA position 3630, C replaced by A.
Protein change: p.His1210Gln; replaces histidine 1210 with glutamine.
Molecular consequence: missense variant. On other transcripts: non-coding transcript variant (1).
Genome position (GRCh38, 1-based): chr20:63,695,458, C>A. VCF-style: chr20-63695458-C-A. GRCh37 (hg19) VCF-style: chr20-62326811-C-A.
Other names: c.2961C>A, p.His987Gln (NM_001283010.1); c.3630C>A, p.His1210Gln (NM_016434.4); c.3702C>A, p.His1234Gln (NM_032957.5); short protein forms H1234Q, H987Q, H1210Q.
Identifiers: ClinVar variation 2922208 (VCV002922208.3), dbSNP rs564198378, ClinGen allele CA409686391.
Genomic context (GRCh38, chr20:63,695,458, plus strand): 5'-AGGGACTGTGGGGGCGGGCGGTGAGGATGCAGGTCCCAGCCAGTCCTCAGGACCTCCCCA[C>A]GGGCCTGCAGCATCTGAGTGGGGTGAGCCTCATGGGAGAGACATCGCTGGGCAGCAGGCC-3'
Protein context (NP_001269938.1, residues 1200-1220): AGPSQSSGPP[His1210Gln]GPAASEWGEP